The following is an entry in ClinVar:

ClinVar aggregate classification (germline): Likely pathogenic (1 of 4 stars; one submission).

Conditions:
Dilated cardiomyopathy 1G (CMD1G). Identifiers: Orphanet 154, MedGen C1858763, MONDO:0011400, OMIM 604145.
Autosomal recessive limb-girdle muscular dystrophy type 2J (LGMDR10). Also called: Limb-girdle muscular dystrophy, type 2J; MUSCULAR DYSTROPHY, LIMB-GIRDLE, AUTOSOMAL RECESSIVE 10. Identifiers: Orphanet 140922, MedGen C1837342, MONDO:0012127, OMIM 608807.

Submission:

Labcorp Genetics (formerly Invitae), Labcorp
Classification: Likely pathogenic for Dilated cardiomyopathy 1G; Autosomal recessive limb-girdle muscular dystrophy type 2J. Last evaluated: 2021-08-25. Review status: criteria provided, single submitter. Criteria: Invitae Variant Classification Sherloc (09022015). Collection method: clinical testing. Allele origin: germline.
Comment: This variant is located in the A band of TTN (PMID: 25589632). Truncating variants in this region are significantly overrepresented in patients affected with dilated cardiomyopathy (PMID: 25589632). Truncating variants in this region have also been reported in individuals affected with autosomal recessive centronuclear myopathy (PMID: 23975875). In summary, the currently available evidence indicates that the variant is pathogenic, but additional data are needed to prove that conclusively. Therefore, this variant has been classified as Likely Pathogenic. Algorithms developed to predict the effect of sequence changes on RNA splicing suggest that this variant may disrupt the consensus splice site. Disruption of this splice site has been observed in individual(s) with dilated cardiomyopathy (Invitae). This variant is not present in population databases (ExAC no frequency). This sequence change affects an acceptor splice site in intron 276 of the TTN gene. It is expected to disrupt RNA splicing and likely results in a truncated or disrupted TTN protein.

Literature cited by the submitters: PubMed 25589632; PubMed 23975875.

NM_001267550.2(TTN):c.53003-1G>C

Genes: TTN-AS1 (TTN antisense RNA 1; plus strand), TTN (titin; minus strand), LOC126806425 (BRD4-independent group 4 enhancer GRCh37_chr2:179471933-179473132; plus strand). Cytogenetic location: 2q31.2.
Variant type: single nucleotide variant.
Coding change: c.53003-1G>C on transcript NM_001267550.2 (MANE Select); the canonical splice acceptor site of the intron before coding-DNA position 53003, G replaced by C.
Molecular consequence: splice acceptor variant.
Genome position (GRCh38, 1-based): chr2:178,607,686, C>G on the plus strand (G>C on the coding strand, the complement: TTN is on the minus strand). VCF-style: chr2-178607686-C-G. GRCh37 (hg19) VCF-style: chr2-179472413-C-G.
Other names: c.25808-1G>C (NM_003319.4); c.26384-1G>C (NM_133437.4); c.26183-1G>C (NM_133432.3); c.45299-1G>C (NM_133378.4); c.48080-1G>C (NM_001256850.1).
Identifiers: ClinVar variation 1487742 (VCV001487742.6), dbSNP rs2154197076, ClinGen allele CA349568942.
Genomic context (GRCh38, chr2:178,607,686, plus strand): 5'-TCCCAGCCATTATTTGTATTCCACCCTTGACAGAAACATCCAGTTCCACAGCTGGAGGCT[C>G]TGTTGAAAGAGAACAGTCATGCATTAGCCCATGAAAGATTAAAAAATAGTCCCATATAGA-3'